The following is an entry in ClinVar:

NM_005502.4(ABCA1):c.1145A>G (p.Lys382Arg)

Gene: ABCA1 (ATP binding cassette subfamily A member 1; minus strand). Cytogenetic location: 9q31.1.
Variant type: single nucleotide variant.
Coding change: c.1145A>G on transcript NM_005502.4 (MANE Select); coding-DNA position 1145, A replaced by G.
Protein change: p.Lys382Arg; replaces lysine 382 with arginine.
Molecular consequence: missense variant.
Genome position (GRCh38, 1-based): chr9:104,837,477, T>C on the plus strand (A>G on the coding strand, the complement: ABCA1 is on the minus strand). VCF-style: chr9-104837477-T-C. GRCh37 (hg19) VCF-style: chr9-107599758-T-C.
Other names: short protein forms K382R.
Identifiers: ClinVar variation 2587847 (VCV002587847.2), dbSNP rs2538200677, ClinGen allele CA374327943.

ClinVar aggregate classification (germline): Uncertain significance (1 of 4 stars; one submission).

Conditions:
Cardiovascular phenotype. Identifiers: MedGen CN230736.

Allele frequency attached by ClinVar (database versions not stated): gnomAD exomes below 0.00001.
gnomAD v4.1: 1 of 1,614,104 alleles (0.000062%); highest among the groups gnomAD compares: African/African-American, 0.0013%; no homozygotes.

Submission:

Ambry Genetics
Classification: Uncertain significance for Cardiovascular phenotype. Last evaluated: 2023-08-30. Review status: criteria provided, single submitter. Criteria: Ambry Variant Classification Scheme 2023. Collection method: clinical testing. Allele origin: germline.
Comment: The p.K382R variant (also known as c.1145A>G), located in coding exon 9 of the ABCA1 gene, results from an A to G substitution at nucleotide position 1145. The lysine at codon 382 is replaced by arginine, an amino acid with highly similar properties. This amino acid position is conserved. In addition, the in silico prediction for this alteration is inconclusive. Since supporting evidence is limited at this time, the clinical significance of this alteration remains unclear.